The following is an entry in ClinVar:

NM_001197104.2(KMT2A):c.5288G>A (p.Arg1763Gln)

Gene: KMT2A (lysine methyltransferase 2A; plus strand). Cytogenetic location: 11q23.3.
Variant type: single nucleotide variant.
Coding change: c.5288G>A on transcript NM_001197104.2 (MANE Select); coding-DNA position 5288, G replaced by A.
Protein change: p.Arg1763Gln; replaces arginine 1763 with glutamine.
Molecular consequence: missense variant.
Genome position (GRCh38, 1-based): chr11:118,494,397, G>A. VCF-style: chr11-118494397-G-A. GRCh37 (hg19) VCF-style: chr11-118365112-G-A.
Other names: c.5279G>A, p.Arg1760Gln (NM_005933.4); short protein forms R1760Q, R1763Q.
Identifiers: ClinVar variation 1417060 (VCV001417060.6), dbSNP rs781944403, ClinGen allele CA6304023.

ClinVar aggregate classification (germline): Uncertain significance (1 of 4 stars; one submission).

Allele frequency attached by ClinVar (database versions not stated): gnomAD exomes below 0.00001; TOPMed below 0.00001.

Submission:

Labcorp Genetics (formerly Invitae), Labcorp
Classification: Uncertain significance. Last evaluated: 2026-01-26. Review status: criteria provided, single submitter. Criteria: Invitae Variant Classification Sherloc (09022015). Collection method: clinical testing. Allele origin: germline.
Comment: This sequence change replaces arginine, which is basic and polar, with glutamine, which is neutral and polar, at codon 1763 of the KMT2A protein (p.Arg1763Gln). This variant is present in population databases (rs781944403, gnomAD 0.006%). This variant has not been reported in the literature in individuals affected with KMT2A-related conditions. ClinVar contains an entry for this variant (Variation ID: 1417060). An algorithm developed to predict the effect of missense changes on protein structure and function (PolyPhen-2) suggests that this variant is likely to be tolerated. In summary, the available evidence is currently insufficient to determine the role of this variant in disease. Therefore, it has been classified as a Variant of Uncertain Significance.